The following is an entry in ClinVar:

ClinVar aggregate classification (germline): Uncertain significance. Review status: criteria provided, multiple submitters, no conflicts (2 of 4 stars). 6 submissions from 6 submitters: Uncertain significance (6). Last evaluated 2026-06-17.

Conditions:
Polycystic kidney disease, adult type (PKD1). Also called: Polycystic Kidney, Autosomal Dominant; POLYCYSTIC KIDNEY DISEASE 1 WITH OR WITHOUT POLYCYSTIC LIVER DISEASE; Polycystic Kidney Disease 1, Autosomal Dominant; Polycystic kidney disease 1; Polycystic kidney disease 1, severe; POLYCYSTIC KIDNEY DISEASE, ADULT, TYPE I. Identifiers: MedGen C3149841, MONDO:0008263, OMIM 173900.
Inborn genetic diseases. Identifiers: MedGen C0950123, MeSH D030342.

Allele frequency attached by ClinVar (database versions not stated): gnomAD 0.00003 and 0.00004; TOPMed 0.00003; ExAC 0.00004; gnomAD exomes 0.00004.
gnomAD v4.1: 78 of 1,596,088 alleles (0.0049%); highest among the groups gnomAD compares: South Asian, 0.029%; no homozygotes.

Submissions (6):

Ambry Genetics
Classification: Uncertain significance for Inborn genetic diseases. Last evaluated: 2026-06-17. Review status: criteria provided, single submitter. Criteria: Ambry Variant Classification Scheme 2023. Collection method: clinical testing. Allele origin: germline.

GeneDx
Classification: Uncertain significance. Last evaluated: 2026-04-03. Review status: criteria provided, single submitter. Criteria: GeneDx Variant Classification Process June 2021. Collection method: clinical testing. Allele origin: germline.
Comment: In silico analysis suggests that this missense variant does not alter protein structure/function; Has not been previously published as pathogenic or benign to our knowledge

CeGaT Center for Human Genetics Tuebingen
Classification: Uncertain significance. Last evaluated: 2023-04-01. Review status: criteria provided, single submitter. Criteria: CeGaT Center For Human Genetics Tuebingen Variant Classification Criteria Version 2. Collection method: clinical testing. Allele origin: germline. Affected: yes. Observed: 1 variant allele.

Fulgent Genetics
Classification: Uncertain significance for Polycystic kidney disease, adult type. Last evaluated: 2021-12-31. Review status: criteria provided, single submitter. Criteria: ACMG Guidelines, 2015. Collection method: clinical testing. Allele origin: unknown.

MVZ Martinsried, Medicover Genetics
Classification: Uncertain significance for Polycystic kidney disease, adult type. Last evaluated: 2021-06-17. Review status: criteria provided, single submitter. Criteria: ACGS Guidelines, 2020. Collection method: clinical testing. Allele origin: unknown. Affected: yes.

Victorian Clinical Genetics Services, Murdoch Childrens Research Institute
Classification: Uncertain significance for Polycystic kidney disease, adult type. Last evaluated: 2020-06-11. Review status: criteria provided, single submitter. Criteria: ACMG Guidelines, 2015. Collection method: clinical testing. Allele origin: germline. Inheritance: Autosomal dominant inheritance. Affected: yes.
Comment: Based on the classification scheme VCGS_Germline_v1.1.1, this variant is classified as 3C-VUS. Following criteria are met: 0102 - Loss-of-function is a known mechanism of disease for this gene. (N) 0107 - This gene is known to be associated with autosomal dominant disease. Polycystic kidney disease is predominantly caused by monoallelic variants, with rare reports of biallelic variants causing disease (PMID: 29038287). (N) 0200 - Variant is predicted to result in a missense amino acid change from valine to methionine (exon 18). (N) 0251 - Variant is heterozygous. (N) 0302 - Variant is present in gnomAD v2 <0.001 for a dominant condition (9 heterozygotes, 0 homozygotes). (P) 0503 - Missense variant consistently predicted to be tolerated or not conserved in mammals with a minor amino acid change. (B) 0600 - Variant is located in an annotated domain or motif (REJ module; PMID: 21314639). (N) 0705 - No comparable variants have previous evidence for pathogenicity. (N) 0807 - Variant has not previously been reported in a clinical context. (N) 0905 - No segregation evidence has been identified for this variant. (N) 1007 - No published functional evidence has been identified for this variant. (N) 1102 - Strong phenotype match. (P) 1208 - Inheritance information for this variant is not currently available. (N) Legend: (P) - Pathogenic, (N) - Neutral, (B) - Benign

Literature cited by the submitters: PubMed 21314639 (cited by Victorian Clinical Genetics Services, Murdoch Childrens Research Institute); PubMed 29038287 (cited by Victorian Clinical Genetics Services, Murdoch Childrens Research Institute).

NM_001009944.3(PKD1):c.7309G>A (p.Val2437Met)

Gene: PKD1 (polycystin 1, transient receptor potential channel interacting; minus strand). Cytogenetic location: 16p13.3.
Variant type: single nucleotide variant.
Coding change: c.7309G>A on transcript NM_001009944.3 (MANE Select); coding-DNA position 7309, G replaced by A.
Protein change: p.Val2437Met; replaces valine 2437 with methionine.
Molecular consequence: missense variant.
Genome position (GRCh38, 1-based): chr16:2,106,578, C>T on the plus strand (G>A on the coding strand, the complement: PKD1 is on the minus strand). VCF-style: chr16-2106578-C-T. GRCh37 (hg19) VCF-style: chr16-2156579-C-T.
Other names: c.7309G>A (NM_001009944.2, NM_000296.3); c.7309G>A, p.Val2437Met (NM_000296.4); short protein forms V2437M.
Identifiers: ClinVar variation 1330251 (VCV001330251.33), dbSNP rs780043149, ClinGen allele CA7831184.